The following is an entry in ClinVar:

ClinVar aggregate classification (germline): Uncertain significance (1 of 4 stars; one submission).

Conditions:
PTH-related disorder. Also called: PTH-related condition.

Submission:

PreventionGenetics, part of Exact Sciences
Classification: Uncertain significance for PTH-related condition. Last evaluated: 2026-01-25. Review status: criteria provided, single submitter. Criteria: ACMG Guidelines, 2015. Collection method: clinical testing. Allele origin: germline.
Comment: The PTH c.26A>C variant is predicted to result in the amino acid substitution p.Lys9Thr. To our knowledge, this variant has not been reported in the literature or in a large population database (gnomAD), indicating this variant is rare. At this time, the clinical significance of this variant is uncertain due to the absence of conclusive functional and genetic evidence.

NM_000315.4(PTH):c.26A>C (p.Lys9Thr)

Gene: PTH (parathyroid hormone; minus strand). Cytogenetic location: 11p15.3.
Variant type: single nucleotide variant.
Coding change: c.26A>C on transcript NM_000315.4 (MANE Select); coding-DNA position 26, A replaced by C.
Protein change: p.Lys9Thr; replaces lysine 9 with threonine.
Molecular consequence: missense variant.
Genome position (GRCh38, 1-based): chr11:13,492,830, T>G on the plus strand (A>C on the coding strand, the complement: PTH is on the minus strand). VCF-style: chr11-13492830-T-G. GRCh37 (hg19) VCF-style: chr11-13514377-T-G.
Other names: c.122A>C, p.Lys41Thr (NM_001316352.2); short protein forms K9T, K41T.
Identifiers: ClinVar variation 4989317 (VCV004989317.1).